The following is an entry in ClinVar:

ClinVar aggregate classification (germline): Uncertain significance. Review status: criteria provided, multiple submitters, no conflicts (2 of 4 stars). 5 submissions from 5 submitters: Uncertain significance (4). 1 of the submissions does not count toward it. Last evaluated 2024-02-23.

Conditions:
Hereditary cancer-predisposing syndrome. Also called: Neoplastic Syndromes, Hereditary; Hereditary Cancer Syndrome; Hereditary neoplastic syndrome; Tumor predisposition. Identifiers: Orphanet 140162, MedGen C0027672, MeSH D009386, MONDO:0015356.
Familial cancer of breast. Also called: hereditary breast carcinoma; BREAST CANCER, FAMILIAL; Hereditary breast cancer. Identifiers: Orphanet 227535, MedGen C0346153, MONDO:0016419, OMIM 114480. Disease mechanism: loss of function.
Ataxia-telangiectasia syndrome (AT). Also called: ATAXIA-TELANGIECTASIA, COMPLEMENTATION GROUP A; ATAXIA-TELANGIECTASIA, FRESNO VARIANT; Ataxia-telangiectasia, complementation group E; Ataxia telangiectasia (A-T); LOUIS-BAR SYNDROME; Cerebello-oculocutaneous telangiectasia. Identifiers: Orphanet 100, MedGen C0004135, MONDO:0008840, OMIM 208900.

Allele frequency attached by ClinVar (database versions not stated): TOPMed below 0.00001.

Submissions (5):

Labcorp Genetics (formerly Invitae), Labcorp
Classification: Uncertain significance for Ataxia-telangiectasia syndrome. Last evaluated: 2024-02-23. Review status: criteria provided, single submitter. Criteria: Invitae Variant Classification Sherloc (09022015). Collection method: clinical testing. Allele origin: germline.
Comment: This sequence change replaces histidine, which is basic and polar, with leucine, which is neutral and non-polar, at codon 1802 of the ATM protein (p.His1802Leu). This variant is not present in population databases (gnomAD no frequency). This variant has not been reported in the literature in individuals affected with ATM-related conditions. ClinVar contains an entry for this variant (Variation ID: 825708). An algorithm developed to predict the effect of missense changes on protein structure and function (PolyPhen-2) suggests that this variant is likely to be disruptive. In summary, the available evidence is currently insufficient to determine the role of this variant in disease. Therefore, it has been classified as a Variant of Uncertain Significance.

Baylor Genetics
Classification: Uncertain significance for Familial cancer of breast. Last evaluated: 2023-06-28. Review status: criteria provided, single submitter. Criteria: ACMG Guidelines, 2015. Collection method: clinical testing. Allele origin: unknown.

GeneDx
Classification: Uncertain significance. Last evaluated: 2021-05-17. Review status: criteria provided, single submitter. Criteria: GeneDx Variant Classification Process June 2021. Collection method: clinical testing. Allele origin: germline. Affected: yes.
Comment: Not observed in large population cohorts (Lek 2016); In silico analysis supports that this missense variant has a deleterious effect on protein structure/function; Has not been previously published as pathogenic or benign to our knowledge

Ambry Genetics
Classification: Uncertain significance for Hereditary cancer-predisposing syndrome. Last evaluated: 2019-05-22. Review status: criteria provided, single submitter. Criteria: Ambry Variant Classification Scheme 2023. Collection method: clinical testing. Allele origin: germline.
Comment: The p.H1802L variant (also known as c.5405A>T), located in coding exon 35 of the ATM gene, results from an A to T substitution at nucleotide position 5405. The histidine at codon 1802 is replaced by leucine, an amino acid with similar properties. This amino acid position is highly conserved in available vertebrate species. In addition, this alteration is predicted to be deleterious by in silico analysis. Since supporting evidence is limited at this time, the clinical significance of this alteration remains unclear.

Natera, Inc.
Classification: Uncertain significance for Ataxia-telangiectasia. Last evaluated: 2021-05-21. Review status: no assertion criteria provided. Collection method: clinical testing. Allele origin: germline. Not counted in ClinVar's aggregate classification.

NM_000051.4(ATM):c.5405A>T (p.His1802Leu)

Gene: ATM (ATM serine/threonine kinase; plus strand). Cytogenetic location: 11q22.3.
Variant type: single nucleotide variant.
Coding change: c.5405A>T on transcript NM_000051.4 (MANE Select); coding-DNA position 5405, A replaced by T.
Protein change: p.His1802Leu; replaces histidine 1802 with leucine.
Molecular consequence: missense variant.
Genome position (GRCh38, 1-based): chr11:108,302,938, A>T. VCF-style: chr11-108302938-A-T. GRCh37 (hg19) VCF-style: chr11-108173665-A-T.
Other names: c.5405A>T, p.His1802Leu (NM_001351834.2); short protein forms H1802L.
Identifiers: ClinVar variation 825708 (VCV000825708.19), dbSNP rs878853521, ClinGen allele CA382543767.